The following is an entry in ClinVar:

NM_001378609.3(OTOGL):c.766C>G (p.Leu256Val)

Gene: OTOGL (otogelin like; plus strand). Cytogenetic location: 12q21.31.
Variant type: single nucleotide variant.
Coding change: c.766C>G on transcript NM_001378609.3 (MANE Select); coding-DNA position 766, C replaced by G.
Protein change: p.Leu256Val; replaces leucine 256 with valine.
Molecular consequence: missense variant.
Genome position (GRCh38, 1-based): chr12:80,233,046, C>G. VCF-style: chr12-80233046-C-G. GRCh37 (hg19) VCF-style: chr12-80626826-C-G.
Other names: c.766C>G, p.Leu256Val (NM_001368062.3, NM_001378610.3, NM_173591.7); short protein forms L256V.
Identifiers: ClinVar variation 1437685 (VCV001437685.7), dbSNP rs1162151864, ClinGen allele CA385857367.
Genomic context (GRCh38, chr12:80,233,046, plus strand): 5'-GACGGGATATCTGGGATCTACCTCAAGCTGTCTGAGGACCATAAGGGGAAATCATGTGGC[C>G]TATGTGGAAACTACAATGACATTCAATCTGATGATTTCATAATTCTGCAAGGTAAGTGAA-3'
Protein context (NP_001365538.2, residues 246-266): SEDHKGKSCG[Leu256Val]CGNYNDIQSD

ClinVar aggregate classification (germline): Uncertain significance (1 of 4 stars; one submission).

Allele frequency attached by ClinVar (database versions not stated): TOPMed 0.00001; gnomAD exomes 0.00001.
gnomAD v4.1: 15 of 1,598,426 alleles (0.00094%); highest among the groups gnomAD compares: Non-Finnish European, 0.0013%; no homozygotes.

Submission:

Labcorp Genetics (formerly Invitae), Labcorp
Classification: Uncertain significance. Last evaluated: 2022-02-03. Review status: criteria provided, single submitter. Criteria: Invitae Variant Classification Sherloc (09022015). Collection method: clinical testing. Allele origin: germline.
Comment: In summary, the available evidence is currently insufficient to determine the role of this variant in disease. Therefore, it has been classified as a Variant of Uncertain Significance. Algorithms developed to predict the effect of sequence changes on RNA splicing suggest that this variant may create or strengthen a splice site. Algorithms developed to predict the effect of missense changes on protein structure and function are either unavailable or do not agree on the potential impact of this missense change (SIFT: "Deleterious"; PolyPhen-2: "Probably Damaging"; Align-GVGD: "Class C0"). This variant has not been reported in the literature in individuals affected with OTOGL-related conditions. This variant is present in population databases (no rsID available, gnomAD 0.002%). This sequence change replaces leucine, which is neutral and non-polar, with valine, which is neutral and non-polar, at codon 247 of the OTOGL protein (p.Leu247Val).